The following is an entry in ClinVar:

ClinVar aggregate classification (germline): Uncertain significance (1 of 4 stars; one submission).

Submission:

Labcorp Genetics (formerly Invitae), Labcorp
Classification: Uncertain significance. Last evaluated: 2023-11-27. Review status: criteria provided, single submitter. Criteria: Invitae Variant Classification Sherloc (09022015). Collection method: clinical testing. Allele origin: unknown.
Comment: A gross deletion of the genomic region encompassing the full coding sequence of the ZIC1 gene has been identified. The current clinical and genetic evidence is not sufficient to establish whether loss-of-function variants in ZIC1 cause disease. The boundaries of this event are unknown as they extend beyond the assayed region for this gene and therefore may encompass additional genes. Isolated whole-gene deletions of ZIC1 have not been reported in the literature. However, larger copy number events that include this gene have been reported (PMID: 15338008, 21204220). In summary, the available evidence is currently insufficient to determine the role of this variant in disease. Therefore, it has been classified as a Variant of Uncertain Significance.

Literature cited by the submitters: PubMed 15338008; PubMed 21204220.

NC_000003.11:g.(?_147106646)_(147131338_?)del

Genes: ZIC1 (Zic family member 1; plus strand), ZIC4 (Zic family member 4; minus strand). Cytogenetic location: 3q24.
Variant type: Deletion.
Identifiers: ClinVar variation 3246989 (VCV003246989.1).